The following is an entry in ClinVar:

NM_002907.4(RECQL):c.458A>C (p.Gln153Pro)

Gene: RECQL (RecQ like helicase; minus strand). Cytogenetic location: 12p12.1.
Variant type: single nucleotide variant.
Coding change: c.458A>C on transcript NM_002907.4 (MANE Select); coding-DNA position 458, A replaced by C.
Protein change: p.Gln153Pro; replaces glutamine 153 with proline.
Molecular consequence: missense variant.
Genome position (GRCh38, 1-based): chr12:21,486,522, T>G on the plus strand (A>C on the coding strand, the complement: RECQL is on the minus strand). VCF-style: chr12-21486522-T-G. GRCh37 (hg19) VCF-style: chr12-21639456-T-G.
Other names: c.458A>C, p.Gln153Pro (NM_032941.3); short protein forms Q153P.
Identifiers: ClinVar variation 1741690 (VCV001741690.2), dbSNP rs2540386892, ClinGen allele CA384130059.

ClinVar aggregate classification (germline): Uncertain significance (1 of 4 stars; one submission).

Submission:

Ambry Genetics
Classification: Uncertain significance. Last evaluated: 2021-12-22. Review status: criteria provided, single submitter. Criteria: Ambry Variant Classification Scheme 2023. Collection method: clinical testing. Allele origin: germline.
Comment: The p.Q153P variant (also known as c.458A>C), located in coding exon 4 of the RECQL gene, results from an A to C substitution at nucleotide position 458. The glutamine at codon 153 is replaced by proline, an amino acid with similar properties. This amino acid position is conserved. In addition, the in silico prediction for this alteration is inconclusive. Since supporting evidence is limited at this time, the clinical significance of this alteration remains unclear.